The following is an entry in ClinVar:

ClinVar aggregate classification (germline): Uncertain significance. Review status: criteria provided, multiple submitters, no conflicts (2 of 4 stars). 2 submissions from 2 submitters: Uncertain significance (2). Last evaluated 2024-10-01.

Allele frequency attached by ClinVar (database versions not stated): gnomAD exomes 0.00001; ExAC 0.00007.
gnomAD v4.1: 13 of 1,613,936 alleles (0.00081%); highest among the groups gnomAD compares: African/African-American, 0.0013%; no homozygotes.

Submissions (2):

Centre for Clinical Genetics and Genomic Diagnostics, Zealand University Hospital
Classification: Uncertain significance. Last evaluated: 2024-10-01. Review status: criteria provided, single submitter. Criteria: ACMG Guidelines, 2015. Collection method: clinical testing. Allele origin: germline.

Labcorp Genetics (formerly Invitae), Labcorp
Classification: Uncertain significance. Last evaluated: 2022-08-27. Review status: criteria provided, single submitter. Criteria: Invitae Variant Classification Sherloc (09022015). Collection method: clinical testing. Allele origin: germline.
Comment: This sequence change replaces arginine, which is basic and polar, with histidine, which is basic and polar, at codon 1661 of the COL4A1 protein (p.Arg1661His). This variant is present in population databases (rs750538677, gnomAD 0.007%). This variant has not been reported in the literature in individuals affected with COL4A1-related conditions. Algorithms developed to predict the effect of missense changes on protein structure and function are either unavailable or do not agree on the potential impact of this missense change (SIFT: "Deleterious"; PolyPhen-2: "Not Available"; Align-GVGD: "Class C0"). In summary, the available evidence is currently insufficient to determine the role of this variant in disease. Therefore, it has been classified as a Variant of Uncertain Significance.

NM_001845.6(COL4A1):c.4982G>A (p.Arg1661His)

Gene: COL4A1 (collagen type IV alpha 1 chain; minus strand). Cytogenetic location: 13q34.
Variant type: single nucleotide variant.
Coding change: c.4982G>A on transcript NM_001845.6 (MANE Select); coding-DNA position 4982, G replaced by A.
Protein change: p.Arg1661His; replaces arginine 1661 with histidine.
Molecular consequence: missense variant.
Genome position (GRCh38, 1-based): chr13:110,150,391, C>T on the plus strand (G>A on the coding strand, the complement: COL4A1 is on the minus strand). VCF-style: chr13-110150391-C-T. GRCh37 (hg19) VCF-style: chr13-110802738-C-T.
Other names: short protein forms R1661H.
Identifiers: ClinVar variation 1934969 (VCV001934969.6), dbSNP rs750538677, ClinGen allele CA7046735.